The following is an entry in ClinVar:

NM_032776.3(JMJD1C):c.3027G>A (p.Gln1009=)

Gene: JMJD1C (jumonji domain containing 1C; minus strand). Cytogenetic location: 10q21.3.
Variant type: single nucleotide variant.
Coding change: c.3027G>A on transcript NM_032776.3 (MANE Select); coding-DNA position 3027, G replaced by A.
Protein change: p.Gln1009=; no amino-acid change (glutamine 1009 retained).
Molecular consequence: synonymous variant. On other transcripts: non-coding transcript variant (1).
Genome position (GRCh38, 1-based): chr10:63,208,642, C>T on the plus strand (G>A on the coding strand, the complement: JMJD1C is on the minus strand). VCF-style: chr10-63208642-C-T. GRCh37 (hg19) VCF-style: chr10-64968402-C-T.
Other names: c.2481G>A, p.Gln827= (NM_001282948.2, NM_001318154.2); c.2163G>A, p.Gln721= (NM_001318153.2); c.2913G>A, p.Gln971= (NM_001322252.2); c.2370G>A, p.Gln790= (NM_001322254.2, NM_001322258.2).
Identifiers: ClinVar variation 1557787 (VCV001557787.8), dbSNP rs1191109718, ClinGen allele CA469998529.

ClinVar aggregate classification (germline): Likely benign. Review status: criteria provided, multiple submitters, no conflicts (2 of 4 stars). 2 submissions from 2 submitters: Likely benign (2). Last evaluated 2023-03-30.

Conditions:
Early Myoclonic Encephalopathy. Identifiers: MedGen C0270855.

Allele frequency attached by ClinVar (database versions not stated): TOPMed 0.00001; gnomAD 0.00001.
gnomAD v4.1: 15 of 1,613,964 alleles (0.00093%); highest among the groups gnomAD compares: Admixed American, 0.0017%; no homozygotes.

Submissions (2):

Labcorp Genetics (formerly Invitae), Labcorp
Classification: Likely benign for Early Myoclonic Encephalopathy. Last evaluated: 2023-03-30. Review status: criteria provided, single submitter. Criteria: Invitae Variant Classification Sherloc (09022015). Collection method: clinical testing. Allele origin: germline.

Center for Genomics, Ann and Robert H. Lurie Children's Hospital of Chicago
Classification: Likely benign. Last evaluated: 2022-07-12. Review status: criteria provided, single submitter. Criteria: ACMG Guidelines, 2015. Collection method: clinical testing. Allele origin: germline.
Comment: This variant has not been reported in the literature but is present in the Genome Aggregation Database (Highest reported MAF 0.002% (2/68036). This variant is present in ClinVar (Variation ID:1557787). Evolutionary conservation and computational predictive tools for this variant are limited or unavailable. In summary, data on this variant suggests that this variant does not cause disease but requires further evidence. Therefore, this variant is classified as likely benign.